The following is an entry in ClinVar:

NM_002971.6(SATB1):c.1612C>A (p.Pro538Thr)

Gene: SATB1 (SATB homeobox 1; minus strand). Cytogenetic location: 3p24.3.
Variant type: single nucleotide variant.
Coding change: c.1612C>A on transcript NM_002971.6 (MANE Select); coding-DNA position 1612, C replaced by A.
Protein change: p.Pro538Thr; replaces proline 538 with threonine.
Molecular consequence: missense variant.
Genome position (GRCh38, 1-based): chr3:18,352,159, G>T on the plus strand (C>A on the coding strand, the complement: SATB1 is on the minus strand). VCF-style: chr3-18352159-G-T. GRCh37 (hg19) VCF-style: chr3-18393651-G-T.
Other names: c.1612C>A, p.Pro538Thr (NM_001131010.4, NM_001195470.3, NM_001322871.2 and 4 more transcripts); c.1396C>A, p.Pro466Thr (NM_001322876.2); short protein forms P466T, P538T.
Identifiers: ClinVar variation 4864043 (VCV004864043.1).

ClinVar aggregate classification (germline): Uncertain significance (1 of 4 stars; one submission).

Conditions:
Inborn genetic diseases. Identifiers: MedGen C0950123, MeSH D030342.

Submission:

Ambry Genetics
Classification: Uncertain significance for Inborn genetic diseases. Last evaluated: 2026-04-29. Review status: criteria provided, single submitter. Criteria: Ambry Variant Classification Scheme 2023. Collection method: clinical testing. Allele origin: germline.
Comment: The c.1612C>A (p.P538T) alteration is located in exon 10 (coding exon 9) of the SATB1 gene. This alteration results from a C to A substitution at nucleotide position 1612, causing the proline (P) at amino acid position 538 to be replaced by a threonine (T). This variant was not reported in population-based cohorts in the Genome Aggregation Database (gnomAD). This amino acid position is highly conserved in available vertebrate species. The in silico prediction for this alteration is inconclusive. Based on insufficient or conflicting evidence, the clinical significance of this alteration remains unclear.